The following is an entry in ClinVar:

NM_006270.5(RRAS):c.115G>T (p.Gly39Cys)

Gene: RRAS (RAS related; minus strand). Cytogenetic location: 19q13.33.
Variant type: single nucleotide variant.
Coding change: c.115G>T on transcript NM_006270.5 (MANE Select); coding-DNA position 115, G replaced by T.
Protein change: p.Gly39Cys; replaces glycine 39 with cysteine.
Molecular consequence: missense variant.
Genome position (GRCh38, 1-based): chr19:49,639,984, C>A on the plus strand (G>T on the coding strand, the complement: RRAS is on the minus strand). VCF-style: chr19-49639984-C-A. GRCh37 (hg19) VCF-style: chr19-50143241-C-A.
Other names: short protein forms G39C.
Identifiers: ClinVar variation 1488385 (VCV001488385.8), dbSNP rs1349125359, ClinGen allele CA406849551.

ClinVar aggregate classification (germline): Uncertain significance (1 of 4 stars; one submission).

Conditions:
Noonan syndrome (NS). Also called: Noonan's syndrome. Identifiers: Orphanet 648, MedGen C0028326, MeSH D009634, MONDO:0018997. Disease mechanism: gain of function.

Submission:

Labcorp Genetics (formerly Invitae), Labcorp
Classification: Uncertain significance for Noonan syndrome. Last evaluated: 2021-05-03. Review status: criteria provided, single submitter. Criteria: Invitae Variant Classification Sherloc (09022015). Collection method: clinical testing. Allele origin: germline.
Comment: This sequence change replaces glycine with cysteine at codon 39 of the RRAS protein (p.Gly39Cys). The glycine residue is highly conserved and there is a large physicochemical difference between glycine and cysteine. In summary, the available evidence is currently insufficient to determine the role of this variant in disease. Therefore, it has been classified as a Variant of Uncertain Significance. Algorithms developed to predict the effect of missense changes on protein structure and function are either unavailable or do not agree on the potential impact of this missense change (SIFT: "Deleterious"; PolyPhen-2: "Probably Damaging"; Align-GVGD: "Class C0"). This variant has not been reported in the literature in individuals with RRAS-related conditions. This variant is not present in population databases (ExAC no frequency).